The following is an entry in ClinVar:

NM_002335.4(LRP5):c.671T>A (p.Leu224Gln)

Gene: LRP5 (LDL receptor related protein 5; plus strand). Cytogenetic location: 11q13.2.
Variant type: single nucleotide variant.
Coding change: c.671T>A on transcript NM_002335.4 (MANE Select); coding-DNA position 671, T replaced by A.
Protein change: p.Leu224Gln; replaces leucine 224 with glutamine.
Molecular consequence: missense variant. On other transcripts: 5 prime UTR variant (1).
Genome position (GRCh38, 1-based): chr11:68,357,832, T>A. VCF-style: chr11-68357832-T-A. GRCh37 (hg19) VCF-style: chr11-68125300-T-A.
Other names: c.-1095T>A (NM_001291902.2); short protein forms L224Q.
Identifiers: ClinVar variation 3384768 (VCV003384768.1).

ClinVar aggregate classification (germline): Uncertain significance (1 of 4 stars; one submission).

Submission:

Women's Health and Genetics/Laboratory Corporation of America, LabCorp
Classification: Uncertain significance. Last evaluated: 2024-10-31. Review status: criteria provided, single submitter. Criteria: LabCorp Variant Classification Summary - May 2015. Collection method: clinical testing. Allele origin: germline.
Comment: Variant summary: LRP5 c.671T>A (p.Leu224Gln) results in a non-conservative amino acid change in the encoded protein sequence. Five of five in-silico tools predict a damaging effect of the variant on protein function. The variant was absent in 247554 control chromosomes (gnomAD). The available data on variant occurrences in the general population are insufficient to allow any conclusion about variant significance. To our knowledge, no occurrence of c.671T>A in individuals affected with Familial Exudative Vitreoretinopathy and no experimental evidence demonstrating its impact on protein function have been reported. No submitters have cited clinical-significance assessments for this variant to ClinVar. Based on the evidence outlined above, the variant was classified as uncertain significance.